The following is an entry in ClinVar:

NM_001347721.2(DYRK1A):c.208-38_208-35del

Gene: DYRK1A (dual specificity tyrosine phosphorylation regulated kinase 1A; plus strand). Cytogenetic location: 21q22.13.
Variant type: Deletion.
Coding change: c.208-38_208-35del on transcript NM_001347721.2 (MANE Select); 38 bases into the intron before coding-DNA position 208 through 35 bases into the intron before coding-DNA position 208, 4 bases deleted (GTCT; older notation c.208-38_208-35delGTCT).
Molecular consequence: intron variant.
Genome position (GRCh38, 1-based): chr21:37,478,170-37,478,173, GTCT deleted; deleting any 4 consecutive bases within chr21:37,478,167-37,478,173 gives the same sequence; the c. name uses the placement nearest the transcript's 3' end. VCF-style (leftmost placement, unchanged base first): chr21-37478166-TTCTG-T. GRCh37 (hg19) VCF-style: chr21-38850468-TTCTG-T.
Other names: c.208-11_208-8del (NM_001396.5, NM_101395.2, NM_130438.2); c.208-38_208-35del (NM_001347722.2, NM_130436.2); c.121-38_121-35del (NM_001347723.2); c.208-11_208-8delGTCT (NM_001396.3).
Identifiers: ClinVar variation 421112 (VCV000421112.9), dbSNP rs1064794918, ClinGen allele CA16620994.
Genomic context (GRCh38, chr21:37,478,166, plus strand): 5'-GTAGATACATGCAGGTTACAGAAGAGGGAATTTATATCTTATAGTTAAAGTGCTAGTCTT[TTCTG>T]TCTATTTAAGGTGATGCCTGATATTGTCATGTTACAGAGGCGGATGCCCCAAACCTTCCG-3'

ClinVar aggregate classification (germline): Likely benign. Review status: criteria provided, multiple submitters, no conflicts (2 of 4 stars). 2 submissions from 2 submitters: Likely benign (2). Last evaluated 2024-08-31.

Conditions:
DYRK1A-related intellectual disability syndrome (MRD7). Also called: DYRK1A Syndrome; Intellectual developmental disorder, autosomal dominant 7. Identifiers: Orphanet 464306, MedGen C5568143, MONDO:0013578, OMIM 614104.

Submissions (2):

Labcorp Genetics (formerly Invitae), Labcorp
Classification: Likely benign for DYRK1A-related intellectual disability syndrome. Last evaluated: 2024-08-31. Review status: criteria provided, single submitter. Criteria: Invitae Variant Classification Sherloc (09022015). Collection method: clinical testing. Allele origin: germline.

GeneDx
Classification: Likely benign. Last evaluated: 2016-05-13. Review status: criteria provided, single submitter. Criteria: GeneDx Variant Classification (06012015). Collection method: clinical testing. Allele origin: germline. Affected: yes.
Comment: This variant is considered likely benign or benign based on one or more of the following criteria: it is a conservative change, it occurs at a poorly conserved position in the protein, it is predicted to be benign by multiple in silico algorithms, and/or has population frequency not consistent with disease.